The following is an entry in ClinVar:

ClinVar aggregate classification (germline): Conflicting classifications of pathogenicity. Review status: criteria provided, conflicting classifications (1 of 4 stars). 2 submissions from 2 submitters: Uncertain significance (1); Likely benign (1). Last evaluated 2024-12-12.

Conditions:
Short-rib thoracic dysplasia 6 with or without polydactyly (SRTD6). Also called: Majewski Syndrome; SHORT-RIB THORACIC DYSPLASIA 6 WITH POLYDACTYLY; SHORT-RIB THORACIC DYSPLASIA 6 WITHOUT POLYDACTYLY; SHORT RIB-POLYDACTYLY SYNDROME, TYPE IIA; POLYDACTYLY WITH NEONATAL CHONDRODYSTROPHY, TYPE II. Identifiers: MedGen C0024507, MONDO:0009894, OMIM 263520.

gnomAD v4.1: 17 of 1,608,970 alleles (0.0011%); highest among the groups gnomAD compares: Admixed American, 0.02%; no homozygotes.

Submissions (2):

Labcorp Genetics (formerly Invitae), Labcorp
Classification: Likely benign for Short-rib thoracic dysplasia 6 with or without polydactyly. Last evaluated: 2024-12-12. Review status: criteria provided, single submitter. Criteria: Invitae Variant Classification Sherloc (09022015). Collection method: clinical testing. Allele origin: germline.

GeneDx
Classification: Uncertain significance. Last evaluated: 2022-08-08. Review status: criteria provided, single submitter. Criteria: GeneDx Variant Classification Process June 2021. Collection method: clinical testing. Allele origin: germline. Affected: yes.
Comment: In silico analysis supports that this missense variant does not alter protein structure/function; Has not been previously published as pathogenic or benign to our knowledge

NM_001199397.3(NEK1):c.3289G>C (p.Val1097Leu)

Gene: NEK1 (NIMA related kinase 1; minus strand). Cytogenetic location: 4q33.
Variant type: single nucleotide variant.
Coding change: c.3289G>C on transcript NM_001199397.3 (MANE Select); coding-DNA position 3289, G replaced by C.
Protein change: p.Val1097Leu; replaces valine 1097 with leucine.
Molecular consequence: missense variant. On other transcripts: non-coding transcript variant (1).
Genome position (GRCh38, 1-based): chr4:169,406,681, C>G on the plus strand (G>C on the coding strand, the complement: NEK1 is on the minus strand). VCF-style: chr4-169406681-C-G. GRCh37 (hg19) VCF-style: chr4-170327832-C-G.
Other names: c.3157G>C, p.Val1053Leu (NM_001199398.3); c.2998G>C, p.Val1000Leu (NM_001199399.3); c.3073G>C, p.Val1025Leu (NM_001199400.3); c.3289G>C, p.Val1097Leu (NM_001374418.1); c.3205G>C, p.Val1069Leu (NM_001374419.1, NM_012224.4); c.3154G>C, p.Val1052Leu (NM_001374420.1); c.2806G>C, p.Val936Leu (NM_001374421.1); c.3205G>C (NM_012224.2); short protein forms V1000L, V1025L, V1052L, V1053L, V1069L, V1097L, V936L.
Identifiers: ClinVar variation 1612828 (VCV001612828.6), dbSNP rs374890006, ClinGen allele CA3137189.